The following is an entry in ClinVar:

NM_001365276.2(TNXB):c.2912G>T (p.Arg971Ile)

Gene: TNXB (tenascin XB; minus strand). Cytogenetic location: 6p21.33.
Variant type: single nucleotide variant.
Coding change: c.2912G>T on transcript NM_001365276.2 (MANE Select); coding-DNA position 2912, G replaced by T.
Protein change: p.Arg971Ile; replaces arginine 971 with isoleucine.
Molecular consequence: missense variant.
Genome position (GRCh38, 1-based): chr6:32,085,986, C>A on the plus strand (G>T on the coding strand, the complement: TNXB is on the minus strand). VCF-style: chr6-32085986-C-A. GRCh37 (hg19) VCF-style: chr6-32053763-C-A.
Other names: c.3653G>T, p.Arg1218Ile (NM_001428335.1); c.2912G>T, p.Arg971Ile (NM_019105.8); short protein forms R971I, R1218I.
Identifiers: ClinVar variation 4987108 (VCV004987108.1).

ClinVar aggregate classification (germline): Uncertain significance (1 of 4 stars; one submission).

Conditions:
TNXB-related disorder. Also called: TNXB-related condition.

Submission:

PreventionGenetics, part of Exact Sciences
Classification: Uncertain significance for TNXB-related condition. Last evaluated: 2025-12-29. Review status: criteria provided, single submitter. Criteria: ACMG Guidelines, 2015. Collection method: clinical testing. Allele origin: germline.
Comment: The TNXB c.2912G>T variant is predicted to result in the amino acid substitution p.Arg971Ile. To our knowledge, this variant has not been reported in the literature. This variant is reported in 0.011% of alleles in individuals of African descent in gnomAD. At this time, the clinical significance of this variant is uncertain due to the absence of conclusive functional and genetic evidence.